The following is an entry in ClinVar:

NM_000094.4(COL7A1):c.2398A>C (p.Thr800Pro)

Gene: COL7A1 (collagen type VII alpha 1 chain; minus strand). Cytogenetic location: 3p21.31.
Variant type: single nucleotide variant.
Coding change: c.2398A>C on transcript NM_000094.4 (MANE Select); coding-DNA position 2398, A replaced by C.
Protein change: p.Thr800Pro; replaces threonine 800 with proline.
Molecular consequence: missense variant.
Genome position (GRCh38, 1-based): chr3:48,588,912, T>G on the plus strand (A>C on the coding strand, the complement: COL7A1 is on the minus strand). VCF-style: chr3-48588912-T-G. GRCh37 (hg19) VCF-style: chr3-48626345-T-G.
Other names: short protein forms T800P.
Identifiers: ClinVar variation 3768674 (VCV003768674.2).

ClinVar aggregate classification (germline): Uncertain significance. Review status: criteria provided, multiple submitters, no conflicts (2 of 4 stars). 2 submissions from 2 submitters: Uncertain significance (2). Last evaluated 2025-06-03.

Submissions (2):

Labcorp Genetics (formerly Invitae), Labcorp
Classification: Uncertain significance. Last evaluated: 2025-06-03. Review status: criteria provided, single submitter. Criteria: Invitae Variant Classification Sherloc (09022015). Collection method: clinical testing. Allele origin: germline.
Comment: This sequence change replaces threonine, which is neutral and polar, with proline, which is neutral and non-polar, at codon 800 of the COL7A1 protein (p.Thr800Pro). This variant is not present in population databases (gnomAD no frequency). This variant has not been reported in the literature in individuals affected with COL7A1-related conditions. ClinVar contains an entry for this variant (Variation ID: 3768674). Invitae Evidence Modeling of protein sequence and biophysical properties (such as structural, functional, and spatial information, amino acid conservation, physicochemical variation, residue mobility, and thermodynamic stability) indicates that this missense variant is not expected to disrupt COL7A1 protein function with a negative predictive value of 95%. In summary, the available evidence is currently insufficient to determine the role of this variant in disease. Therefore, it has been classified as a Variant of Uncertain Significance.

Women's Health and Genetics/Laboratory Corporation of America, LabCorp
Classification: Uncertain significance. Last evaluated: 2025-02-10. Review status: criteria provided, single submitter. Criteria: LabCorp Variant Classification Summary - May 2015. Collection method: clinical testing. Allele origin: germline.